The following is an entry in ClinVar:

ClinVar aggregate classification (germline): Conflicting classifications of pathogenicity. Review status: criteria provided, conflicting classifications (1 of 4 stars). 3 submissions from 3 submitters: Uncertain significance (1); Benign (1); Likely benign (1). Last evaluated 2025-05-08.

Conditions:
Hereditary spastic paraplegia 7 (SPG7). Also called: Spastic paraplegia 7; Hereditary spastic paraplegia Paraplegin type; SPG7-related neurologic disorder; Autosomal recessive spastic paraplegia type 7; SPASTIC PARAPLEGIA 7, AUTOSOMAL RECESSIVE, WITH OR WITHOUT CEREBELLAR ATAXIA. Identifiers: Orphanet 99013, MedGen C1846564, MONDO:0011803, OMIM 607259.
Inborn genetic diseases. Identifiers: MedGen C0950123, MeSH D030342.

Allele frequency attached by ClinVar (database versions not stated): gnomAD 0.00026 and 0.00027; TOPMed 0.00031; 1000 Genomes Project 0.00040; ESP Exome Variant Server 0.00046; 1000 Genomes Project 30x 0.00047.
gnomAD v4.1: 64 of 1,600,242 alleles (0.004%); highest among the groups gnomAD compares: African/African-American, 0.073%; no homozygotes.

Submissions (3):

Labcorp Genetics (formerly Invitae), Labcorp
Classification: Likely benign for Hereditary spastic paraplegia 7. Last evaluated: 2025-05-08. Review status: criteria provided, single submitter. Criteria: Invitae Variant Classification Sherloc (09022015). Collection method: clinical testing. Allele origin: germline.

Ambry Genetics
Classification: Uncertain significance for Inborn genetic diseases. Last evaluated: 2021-09-29. Review status: criteria provided, single submitter. Criteria: Ambry Variant Classification Scheme 2023. Collection method: clinical testing. Allele origin: germline.

GeneDx
Classification: Benign. Last evaluated: 2015-03-25. Review status: criteria provided, single submitter. Criteria: GeneDx Variant Classification (06012015). Collection method: clinical testing. Allele origin: germline. Affected: yes.
Comment: This variant is considered likely benign or benign based on one or more of the following criteria: it is a conservative change, it occurs at a poorly conserved position in the protein, it is predicted to be benign by multiple in silico algorithms, and/or has population frequency not consistent with disease.

NM_003119.4(SPG7):c.244C>G (p.Gln82Glu)

Gene: SPG7 (SPG7 matrix AAA peptidase subunit, paraplegin; plus strand). Cytogenetic location: 16q24.3.
Variant type: single nucleotide variant.
Coding change: c.244C>G on transcript NM_003119.4 (MANE Select); coding-DNA position 244, C replaced by G.
Protein change: p.Gln82Glu; replaces glutamine 82 with glutamic acid.
Molecular consequence: missense variant.
Genome position (GRCh38, 1-based): chr16:89,510,550, C>G. VCF-style: chr16-89510550-C-G. GRCh37 (hg19) VCF-style: chr16-89576958-C-G.
Other names: c.244C>G, p.Gln82Glu (NM_001363850.1, NM_199367.3); short protein forms Q82E.
Identifiers: ClinVar variation 378639 (VCV000378639.7), dbSNP rs146115797, ClinGen allele CA8243475.